The following is an entry in ClinVar:

NM_001012720.2(RGR):c.499T>C (p.Ser167Pro)

Gene: RGR (retinal G protein coupled receptor; plus strand). Cytogenetic location: 10q23.1.
Variant type: single nucleotide variant.
Coding change: c.499T>C on transcript NM_001012720.2 (MANE Select); coding-DNA position 499, T replaced by C.
Protein change: p.Ser167Pro; replaces serine 167 with proline.
Molecular consequence: missense variant.
Genome position (GRCh38, 1-based): chr10:84,252,997, T>C. VCF-style: chr10-84252997-T-C. GRCh37 (hg19) VCF-style: chr10-86012753-T-C.
Other names: c.499T>C, p.Ser167Pro (NM_001012722.2); c.511T>C, p.Ser171Pro (NM_002921.4); short protein forms S171P, S167P.
Identifiers: ClinVar variation 2823371 (VCV002823371.3), dbSNP rs2492639268, ClinGen allele CA377391725.

ClinVar aggregate classification (germline): Uncertain significance (1 of 4 stars; one submission).

gnomAD v4.1: 2 of 1,613,570 alleles (0.00012%); highest among the groups gnomAD compares: Non-Finnish European, 0.00017%; no homozygotes.

Submission:

Labcorp Genetics (formerly Invitae), Labcorp
Classification: Uncertain significance. Last evaluated: 2022-12-22. Review status: criteria provided, single submitter. Criteria: Invitae Variant Classification Sherloc (09022015). Collection method: clinical testing. Allele origin: germline.
Comment: This sequence change replaces serine, which is neutral and polar, with proline, which is neutral and non-polar, at codon 167 of the RGR protein (p.Ser167Pro). This variant is not present in population databases (gnomAD no frequency). This variant has not been reported in the literature in individuals affected with RGR-related conditions. Algorithms developed to predict the effect of missense changes on protein structure and function are either unavailable or do not agree on the potential impact of this missense change (SIFT: "Deleterious"; PolyPhen-2: "Not Available"; Align-GVGD: "Class C0"). In summary, the available evidence is currently insufficient to determine the role of this variant in disease. Therefore, it has been classified as a Variant of Uncertain Significance.